The following is an entry in ClinVar:

ClinVar aggregate classification (germline): Uncertain significance (1 of 4 stars; one submission).

gnomAD v4.1: 4 of 1,612,816 alleles (0.00025%); highest among the groups gnomAD compares: East Asian, 0.0022%; no homozygotes.

Submission:

CeGaT Center for Human Genetics Tuebingen
Classification: Uncertain significance. Last evaluated: 2024-07-01. Review status: criteria provided, single submitter. Criteria: CeGaT Center For Human Genetics Tuebingen Variant Classification Criteria Version 2. Collection method: clinical testing. Allele origin: germline. Affected: yes. Observed: 1 variant allele.
Comment: RNF43: PM2

NM_017763.6(RNF43):c.809C>G (p.Pro270Arg)

Gene: RNF43 (ring finger protein 43; minus strand). Cytogenetic location: 17q22.
Variant type: single nucleotide variant.
Coding change: c.809C>G on transcript NM_017763.6 (MANE Select); coding-DNA position 809, C replaced by G.
Protein change: p.Pro270Arg; replaces proline 270 with arginine.
Molecular consequence: missense variant.
Genome position (GRCh38, 1-based): chr17:58,360,823, G>C on the plus strand (C>G on the coding strand, the complement: RNF43 is on the minus strand). VCF-style: chr17-58360823-G-C. GRCh37 (hg19) VCF-style: chr17-56438184-G-C.
Other names: c.809C>G, p.Pro270Arg (NM_001305544.3); c.428C>G, p.Pro143Arg (NM_001305545.2); short protein forms P143R, P270R.
Identifiers: ClinVar variation 3257479 (VCV003257479.17).
Genomic context (GRCh38, chr17:58,360,823, plus strand): 5'-AACCACAAGACCTGCCTTACCTGCCCCTCAGAGAACTCCTCCAGACAGATGGCACACACA[G>C]GGGCTGAGCTGCAGCTGCTCCCTGAGTCTGGCCACTCACCCCGGGCCTGCCTGCAGCTGG-3'
Protein context (NP_060233.3, residues 260-280): PDSGSSCSSA[Pro270Arg]VCAICLEEFS